The following is an entry in ClinVar:

ClinVar aggregate classification (germline): Uncertain significance (1 of 4 stars; one submission).

Conditions:
Inborn genetic diseases. Identifiers: MedGen C0950123, MeSH D030342.

gnomAD v4.1: 1 of 1,613,932 alleles (0.000062%); highest among the groups gnomAD compares: Non-Finnish European, 0.000085%; no homozygotes.

Submission:

Ambry Genetics
Classification: Uncertain significance for Inborn genetic diseases. Last evaluated: 2025-01-05. Review status: criteria provided, single submitter. Criteria: Ambry Variant Classification Scheme 2023. Collection method: clinical testing. Allele origin: germline.
Comment: The p.L429H variant (also known as c.1286T>A), located in coding exon 6 of the SH2B3 gene, results from a T to A substitution at nucleotide position 1286. The leucine at codon 429 is replaced by histidine, an amino acid with similar properties. This amino acid position is conserved. In addition, the in silico prediction for this alteration is inconclusive. Based on the available evidence, the clinical significance of this variant remains unclear.

NM_005475.3(SH2B3):c.1286T>A (p.Leu429His)

Gene: SH2B3 (SH2B adaptor protein 3; plus strand). Cytogenetic location: 12q24.12.
Variant type: single nucleotide variant.
Coding change: c.1286T>A on transcript NM_005475.3 (MANE Select); coding-DNA position 1286, T replaced by A.
Protein change: p.Leu429His; replaces leucine 429 with histidine.
Molecular consequence: missense variant.
Genome position (GRCh38, 1-based): chr12:111,447,705, T>A. VCF-style: chr12-111447705-T-A. GRCh37 (hg19) VCF-style: chr12-111885509-T-A.
Other names: c.680T>A, p.Leu227His (NM_001291424.1); short protein forms L227H, L429H.
Identifiers: ClinVar variation 3795077 (VCV003795077.1).
Genomic context (GRCh38, chr12:111,447,705, plus strand): 5'-TCCTCCCACAGCACCTGCGCCTGTCGCTGACAGAGCGGGGCCAGTGCCGTGTGCAGCACC[T>A]CCACTTTCCCTCGGTCGTGGACATGCTCCACCACTTCCAGCGCTCGCCCATCCCACTCGA-3'
Protein context (NP_005466.1, residues 419-439): TERGQCRVQH[Leu429His]HFPSVVDMLH